The following is an entry in ClinVar:

ClinVar aggregate classification (germline): Uncertain significance (1 of 4 stars; one submission).

Submission:

Labcorp Genetics (formerly Invitae), Labcorp
Classification: Uncertain significance. Last evaluated: 2021-09-26. Review status: criteria provided, single submitter. Criteria: Invitae Variant Classification Sherloc (09022015). Collection method: clinical testing. Allele origin: germline.
Comment: This sequence change replaces isoleucine with valine at codon 77 of the SOX4 protein (p.Ile77Val). The isoleucine residue is highly conserved and there is a small physicochemical difference between isoleucine and valine. This variant is not present in population databases (ExAC no frequency). This variant has not been reported in the literature in individuals affected with SOX4-related conditions. Algorithms developed to predict the effect of missense changes on protein structure and function are either unavailable or do not agree on the potential impact of this missense change (SIFT: "Tolerated"; PolyPhen-2: "Possibly Damaging"; Align-GVGD: "Class C0"). In summary, the available evidence is currently insufficient to determine the role of this variant in disease. Therefore, it has been classified as a Variant of Uncertain Significance.

NM_003107.3(SOX4):c.229A>G (p.Ile77Val)

Gene: SOX4 (SRY-box transcription factor 4; plus strand). Cytogenetic location: 6p22.3.
Variant type: single nucleotide variant.
Coding change: c.229A>G on transcript NM_003107.3 (MANE Select); coding-DNA position 229, A replaced by G.
Protein change: p.Ile77Val; replaces isoleucine 77 with valine.
Molecular consequence: missense variant.
Genome position (GRCh38, 1-based): chr6:21,594,763, A>G. VCF-style: chr6-21594763-A-G. GRCh37 (hg19) VCF-style: chr6-21594994-A-G.
Other names: short protein forms I77V.
Identifiers: ClinVar variation 1383434 (VCV001383434.1), dbSNP rs2113557103, ClinGen allele CA363269716.